The following is an entry in ClinVar:

ClinVar aggregate classification (germline): Uncertain significance (1 of 4 stars; one submission).

Conditions:
Frontotemporal dementia and/or amyotrophic lateral sclerosis 4. Also called: FTDALS4. Identifiers: Orphanet 275872, MedGen C4225325, MONDO:0014641, OMIM 616439.

Allele frequency attached by ClinVar (database versions not stated): gnomAD 0.00001; TOPMed 0.00001.

Submission:

Labcorp Genetics (formerly Invitae), Labcorp
Classification: Uncertain significance for Frontotemporal dementia and/or amyotrophic lateral sclerosis 4. Last evaluated: 2022-02-22. Review status: criteria provided, single submitter. Criteria: Invitae Variant Classification Sherloc (09022015). Collection method: clinical testing. Allele origin: germline.
Comment: This sequence change replaces lysine, which is basic and polar, with arginine, which is basic and polar, at codon 692 of the TBK1 protein (p.Lys692Arg). This variant is present in population databases (no rsID available, gnomAD 0.0008%). This variant has not been reported in the literature in individuals affected with TBK1-related conditions. Advanced modeling of protein sequence and biophysical properties (such as structural, functional, and spatial information, amino acid conservation, physicochemical variation, residue mobility, and thermodynamic stability) performed at Invitae indicates that this missense variant is not expected to disrupt TBK1 protein function. Experimental studies have shown that this missense change does not substantially affect TBK1 function (PMID: 32772249). In summary, the available evidence is currently insufficient to determine the role of this variant in disease. Therefore, it has been classified as a Variant of Uncertain Significance.

Literature cited by the submitters: PubMed 32772249.

NM_013254.4(TBK1):c.2075A>G (p.Lys692Arg)

Gene: TBK1 (TANK binding kinase 1; plus strand). Cytogenetic location: 12q14.2.
Variant type: single nucleotide variant.
Coding change: c.2075A>G on transcript NM_013254.4 (MANE Select); coding-DNA position 2075, A replaced by G.
Protein change: p.Lys692Arg; replaces lysine 692 with arginine.
Molecular consequence: missense variant.
Genome position (GRCh38, 1-based): chr12:64,497,976, A>G. VCF-style: chr12-64497976-A-G. GRCh37 (hg19) VCF-style: chr12-64891756-A-G.
Other names: short protein forms K692R.
Identifiers: ClinVar variation 2101600 (VCV002101600.4), dbSNP rs1463985927, ClinGen allele CA385607393.